The following is an entry in ClinVar:

NM_007294.4(BRCA1):c.2770A>G (p.Asn924Asp)

Gene: BRCA1 (BRCA1 DNA repair associated; minus strand). Cytogenetic location: 17q21.31.
Variant type: single nucleotide variant.
Coding change: c.2770A>G on transcript NM_007294.4 (MANE Select); coding-DNA position 2770, A replaced by G.
Protein change: p.Asn924Asp; replaces asparagine 924 with aspartic acid.
Molecular consequence: missense variant. On other transcripts: intron variant (137).
Genome position (GRCh38, 1-based): chr17:43,092,761, T>C on the plus strand (A>G on the coding strand, the complement: BRCA1 is on the minus strand). VCF-style: chr17-43092761-T-C. GRCh37 (hg19) VCF-style: chr17-41244778-T-C.
Other names: c.2557A>G, p.Asn853Asp (NM_001407571.1, NM_001407915.1, NM_001407853.1 and 9 more transcripts); c.2770A>G, p.Asn924Asp (NM_001407581.1, NM_001407582.1, NM_001407583.1 and 30 more transcripts); c.2767A>G, p.Asn923Asp (NM_001407587.1, NM_001407590.1, NM_001407591.1 and 22 more transcripts); c.2644A>G, p.Asn882Asp (NM_001407649.1, NM_001407670.1, NM_001407671.1 and 11 more transcripts); c.2692A>G, p.Asn898Asp (NM_001407653.1, NM_001407654.1, NM_001407655.1 and 4 more transcripts); c.2689A>G, p.Asn897Asp (NM_001407659.1, NM_001407660.1, NM_001407661.1 and 1 more transcripts); c.2647A>G, p.Asn883Asp (NM_001407674.1, NM_001407675.1, NM_001407676.1 and 19 more transcripts); c.2629A>G, p.Asn877Asp (NM_001407692.1, NM_001407694.1, NM_001407695.1 and 29 more transcripts); and 41 more; short protein forms N877D, N924D, N628D, N796D, N856D, N857D, N876D, N883D.
Identifiers: ClinVar variation 4215089 (VCV004215089.1).

ClinVar aggregate classification (germline): Uncertain significance (1 of 4 stars; one submission).

Conditions:
Hereditary cancer-predisposing syndrome. Also called: Neoplastic Syndromes, Hereditary; Tumor predisposition; Hereditary Cancer Syndrome; Hereditary neoplastic syndrome. Identifiers: Orphanet 140162, MedGen C0027672, MeSH D009386, MONDO:0015356.

gnomAD v4.1: 1 of 1,614,082 alleles (0.000062%); highest among the groups gnomAD compares: Non-Finnish European, 0.000085%; no homozygotes.

Submission:

Ambry Genetics
Classification: Uncertain significance for Hereditary cancer-predisposing syndrome. Last evaluated: 2025-07-28. Review status: criteria provided, single submitter. Criteria: Ambry Variant Classification Scheme 2023. Collection method: clinical testing. Allele origin: germline.
Comment: The p.N924D variant (also known as c.2770A>G), located in coding exon 9 of the BRCA1 gene, results from an A to G substitution at nucleotide position 2770. The asparagine at codon 924 is replaced by aspartic acid, an amino acid with highly similar properties. This amino acid position is poorly conserved in available vertebrate species. In addition, this alteration is predicted to be tolerated by in silico analysis. Based on the available evidence, the clinical significance of this variant remains unclear.